The following is an entry in ClinVar:

ClinVar aggregate classification (germline): Uncertain significance (1 of 4 stars; one submission).

Submission:

GeneDx
Classification: Uncertain significance. Last evaluated: 2025-04-07. Review status: criteria provided, single submitter. Criteria: GeneDx Variant Classification Process June 2021. Collection method: clinical testing. Allele origin: germline.
Comment: Not observed at significant frequency in large population cohorts (gnomAD); In silico analysis supports that this missense variant has a deleterious effect on protein structure/function; Has not been previously published as pathogenic or benign to our knowledge; Variants in candidate genes are classified as variants of uncertain significance in accordance with ACMG guidelines (PMID: 25741868)

NM_014921.5(ADGRL1):c.2764G>T (p.Ala922Ser)

Genes: ADGRL1 (adhesion G protein-coupled receptor L1; minus strand), ADGRL1-AS1 (ADGRL1 antisense RNA 1; plus strand). Cytogenetic location: 19p13.12.
Variant type: single nucleotide variant.
Coding change: c.2764G>T on transcript NM_014921.5 (MANE Select); coding-DNA position 2764, G replaced by T.
Protein change: p.Ala922Ser; replaces alanine 922 with serine.
Molecular consequence: missense variant.
Genome position (GRCh38, 1-based): chr19:14,157,127, C>A on the plus strand (G>T on the coding strand, the complement: ADGRL1 is on the minus strand). VCF-style: chr19-14157127-C-A. GRCh37 (hg19) VCF-style: chr19-14267939-C-A.
Other names: c.2779G>T, p.Ala927Ser (NM_001008701.3); short protein forms A922S, A927S.
Identifiers: ClinVar variation 4891344 (VCV004891344.1).
Genomic context (GRCh38, chr19:14,157,127, plus strand): 5'-GCACGCCCTCCAGGCACAGCCAGGAGAAGGCAGCCAGGAAGAAATAGTGCAGCAGGCCGG[C>A]GAAGATGGGGCAGGCAATCTGCGGGGAGCACTGAGGGTGAGGGGCTGCTGCCTGGACAGG-3'
Protein context (NP_055736.2, residues 912-932): TQYEIACPIF[Ala922Ser]GLLHYFFLAA